The following is an entry in ClinVar:

NC_000013.10:g.(?_52585403)_(52585933_?)del

Gene: ATP7B (ATPase copper transporting beta; minus strand). Cytogenetic location: 13q14.3.
Variant type: Deletion.
Identifiers: ClinVar variation 3244108 (VCV003244108.1).

ClinVar aggregate classification (germline): Pathogenic (1 of 4 stars; one submission).

Conditions:
Wilson disease (WND). Also called: Wilson's disease. Identifiers: Orphanet 905, MedGen C0019202, MONDO:0010200, OMIM 277900. Disease mechanism: loss of function.

Submission:

Labcorp Genetics (formerly Invitae), Labcorp
Classification: Pathogenic for Wilson disease. Last evaluated: 2023-11-10. Review status: criteria provided, single submitter. Criteria: Invitae Variant Classification Sherloc (09022015). Collection method: clinical testing. Allele origin: unknown.
Comment: This variant is a gross deletion of the genomic region encompassing exon(s) 1 of the ATP7B gene, which includes the initiator codon. This deletion extends beyond the assayed region for this gene and therefore may encompass additional genes. It is expected to result in an absent or disrupted protein product. Loss-of-function variants in ATP7B are known to be pathogenic (PMID: 10441329, 16283883). This variant has not been reported in the literature in individuals affected with ATP7B-related conditions. For these reasons, this variant has been classified as Pathogenic.

Literature cited by the submitters: PubMed 10441329; PubMed 16283883.